The following is an entry in ClinVar:

NM_001844.5(COL2A1):c.3899T>C (p.Ile1300Thr)

Gene: COL2A1 (collagen type II alpha 1 chain; minus strand). Cytogenetic location: 12q13.11.
Variant type: single nucleotide variant.
Coding change: c.3899T>C on transcript NM_001844.5 (MANE Select); coding-DNA position 3899, T replaced by C.
Protein change: p.Ile1300Thr; replaces isoleucine 1300 with threonine.
Molecular consequence: missense variant.
Genome position (GRCh38, 1-based): chr12:47,974,850, A>G on the plus strand (T>C on the coding strand, the complement: COL2A1 is on the minus strand). VCF-style: chr12-47974850-A-G. GRCh37 (hg19) VCF-style: chr12-48368633-A-G.
Other names: c.3692T>C, p.Ile1231Thr (NM_033150.3); short protein forms I1231T, I1300T.
Identifiers: ClinVar variation 2693198 (VCV002693198.3), dbSNP rs2540097832, ClinGen allele CA384536168.

ClinVar aggregate classification (germline): Uncertain significance (1 of 4 stars; one submission).

Allele frequency attached by ClinVar (database versions not stated): gnomAD exomes below 0.00001.
gnomAD v4.1: 1 of 1,613,744 alleles (0.000062%); highest among the groups gnomAD compares: Non-Finnish European, 0.000085%; no homozygotes.

Submission:

Labcorp Genetics (formerly Invitae), Labcorp
Classification: Uncertain significance. Last evaluated: 2025-07-07. Review status: criteria provided, single submitter. Criteria: Invitae Variant Classification Sherloc (09022015). Collection method: clinical testing. Allele origin: germline.
Comment: This sequence change replaces isoleucine, which is neutral and non-polar, with threonine, which is neutral and polar, at codon 1300 of the COL2A1 protein (p.Ile1300Thr). This variant is not present in population databases (gnomAD no frequency). This variant has not been reported in the literature in individuals affected with COL2A1-related conditions. ClinVar contains an entry for this variant (Variation ID: 2693198). Invitae Evidence Modeling of protein sequence and biophysical properties (such as structural, functional, and spatial information, amino acid conservation, physicochemical variation, residue mobility, and thermodynamic stability) has been performed for this missense variant. However, the output from this modeling did not meet the statistical confidence thresholds required to predict the impact of this variant on COL2A1 protein function. In summary, the available evidence is currently insufficient to determine the role of this variant in disease. Therefore, it has been classified as a Variant of Uncertain Significance.